The following is an entry in ClinVar:

NM_006846.4(SPINK5):c.1899T>C (p.Asp633=)

Gene: SPINK5 (serine peptidase inhibitor Kazal type 5; plus strand). Cytogenetic location: 5q32.
Variant type: single nucleotide variant.
Coding change: c.1899T>C on transcript NM_006846.4 (MANE Select); coding-DNA position 1899, T replaced by C.
Protein change: p.Asp633=; no amino-acid change (aspartic acid 633 retained).
Molecular consequence: synonymous variant.
Genome position (GRCh38, 1-based): chr5:148,114,373, T>C. VCF-style: chr5-148114373-T-C. GRCh37 (hg19) VCF-style: chr5-147493936-T-C.
Other names: c.1899T>C (NM_006846.3); c.1899T>C, p.Asp633= (NM_001127698.2, NM_001127699.2).
Identifiers: ClinVar variation 1628116 (VCV001628116.11), dbSNP rs1754029439, ClinGen allele CA446935804.

ClinVar aggregate classification (germline): Likely benign. Review status: criteria provided, multiple submitters, no conflicts (2 of 4 stars). 3 submissions from 3 submitters: Likely benign (2). 1 of the submissions does not count toward it. Last evaluated 2025-10-21.

Conditions:
SPINK5-related disorder. Also called: SPINK5-related condition.
Ichthyosis linearis circumflexa. Identifiers: MedGen C0265962, MONDO:0043106, HP:0025810.

Allele frequency attached by ClinVar (database versions not stated): gnomAD exomes below 0.00001; TOPMed below 0.00001; gnomAD 0.00001; 1000 Genomes Project 30x 0.00016.
gnomAD v4.1: 5 of 1,612,706 alleles (0.00031%); highest among the groups gnomAD compares: Non-Finnish European, 0.00042%; no homozygotes.

Submissions (3):

Labcorp Genetics (formerly Invitae), Labcorp
Classification: Likely benign for Ichthyosis linearis circumflexa. Last evaluated: 2025-10-21. Review status: criteria provided, single submitter. Criteria: Invitae Variant Classification Sherloc (09022015). Collection method: clinical testing. Allele origin: germline.

Breakthrough Genomics
Classification: Likely benign. Review status: criteria provided, single submitter. Criteria: ACMG Guidelines, 2015. Collection method: not provided. Allele origin: germline. Inheritance: Autosomal recessive inheritance. Affected: yes.

PreventionGenetics, part of Exact Sciences
Classification: Likely benign for SPINK5-related condition. Last evaluated: 2019-06-11. Review status: no assertion criteria provided. Collection method: clinical testing. Allele origin: germline. Not counted in ClinVar's aggregate classification.
Comment: This variant is classified as likely benign based on ACMG/AMP sequence variant interpretation guidelines (Richards et al. 2015 PMID: 25741868, with internal and published modifications).